The following is an entry in ClinVar:

ClinVar aggregate classification (germline): Uncertain significance (1 of 4 stars; one submission).

Conditions:
Cardiovascular phenotype. Identifiers: MedGen CN230736.

gnomAD v4.1: 22 of 1,612,928 alleles (0.0014%); highest among the groups gnomAD compares: East Asian, 0.0045%; no homozygotes.

Submission:

Ambry Genetics
Classification: Uncertain significance for Cardiovascular phenotype. Last evaluated: 2023-10-10. Review status: criteria provided, single submitter. Criteria: Ambry Variant Classification Scheme 2023. Collection method: clinical testing. Allele origin: germline.
Comment: The p.G292R variant (also known as c.874G>A), located in coding exon 6 of the LMF1 gene, results from a G to A substitution at nucleotide position 874. The glycine at codon 292 is replaced by arginine, an amino acid with dissimilar properties. This amino acid position is conserved. In addition, this alteration is predicted to be deleterious by in silico analysis. Since supporting evidence is limited at this time, the clinical significance of this alteration remains unclear.

NM_022773.4(LMF1):c.874G>A (p.Gly292Arg)

Gene: LMF1 (lipase maturation factor 1; minus strand). Cytogenetic location: 16p13.3.
Variant type: single nucleotide variant.
Coding change: c.874G>A on transcript NM_022773.4 (MANE Select); coding-DNA position 874, G replaced by A.
Protein change: p.Gly292Arg; replaces glycine 292 with arginine.
Molecular consequence: missense variant. On other transcripts: non-coding transcript variant (1).
Genome position (GRCh38, 1-based): chr16:879,593, C>T on the plus strand (G>A on the coding strand, the complement: LMF1 is on the minus strand). VCF-style: chr16-879593-C-T. GRCh37 (hg19) VCF-style: chr16-929593-C-T.
Other names: c.223G>A, p.Gly75Arg (NM_001352017.2, NM_001352021.2); c.475G>A, p.Gly159Arg (NM_001352018.2); c.547G>A, p.Gly183Arg (NM_001352019.2); c.874G>A, p.Gly292Arg (NM_001352020.1); short protein forms G159R, G183R, G292R, G75R.
Identifiers: ClinVar variation 3227817 (VCV003227817.1), dbSNP rs764154907, ClinGen allele CA276585835.
Genomic context (GRCh38, chr16:879,593, plus strand): 5'-CTGTGGACACGGGGCAGGGCGGGCGGCGCGGGCTCACCTGGAACAGGATCTGCAGCACCC[C>T]GTGGATGATGCACGCCCGCCGGCCGAGGAAGAGGAAGAAGGGCACCAGGAGCTCGATGAA-3'
Protein context (NP_073610.2, residues 282-302): FLGRRACIIH[Gly292Arg]VLQILFQAVL